The following is an entry in ClinVar:

ClinVar aggregate classification (germline): Uncertain significance. Review status: criteria provided, multiple submitters, no conflicts (2 of 4 stars). 2 submissions from 2 submitters: Uncertain significance (2). Last evaluated 2025-12-30.

Conditions:
Inborn genetic diseases. Identifiers: MedGen C0950123, MeSH D030342.

Allele frequency attached by ClinVar (database versions not stated): gnomAD exomes 0.00003 and 0.00006; ExAC 0.00008; gnomAD 0.00033 and 0.00036; TOPMed 0.00034; ESP Exome Variant Server 0.00038; 1000 Genomes Project 0.00040; 1000 Genomes Project 30x 0.00062.
gnomAD v4.1: 95 of 1,612,788 alleles (0.0059%); highest among the groups gnomAD compares: African/African-American, 0.11%; no homozygotes.

Submissions (2):

Labcorp Genetics (formerly Invitae), Labcorp
Classification: Uncertain significance. Last evaluated: 2025-12-30. Review status: criteria provided, single submitter. Criteria: Invitae Variant Classification Sherloc (09022015). Collection method: clinical testing. Allele origin: germline.
Comment: This sequence change replaces asparagine, which is neutral and polar, with histidine, which is basic and polar, at codon 342 of the GUCY2C protein (p.Asn342His). This variant is present in population databases (rs142547014, gnomAD 0.09%). This variant has not been reported in the literature in individuals affected with GUCY2C-related conditions. ClinVar contains an entry for this variant (Variation ID: 1377057). Invitae Evidence Modeling of protein sequence and biophysical properties (such as structural, functional, and spatial information, amino acid conservation, physicochemical variation, residue mobility, and thermodynamic stability) indicates that this missense variant is not expected to disrupt GUCY2C protein function with a negative predictive value of 80%. In summary, the available evidence is currently insufficient to determine the role of this variant in disease. Therefore, it has been classified as a Variant of Uncertain Significance.

Ambry Genetics
Classification: Uncertain significance for Inborn genetic diseases. Last evaluated: 2021-10-21. Review status: criteria provided, single submitter. Criteria: Ambry Variant Classification Scheme 2023. Collection method: clinical testing. Allele origin: germline.

NM_004963.4(GUCY2C):c.1024A>C (p.Asn342His)

Genes: GUCY2C (guanylate cyclase 2C; minus strand), GUCY2C-AS1 (GUCY2C antisense RNA 1; plus strand). Cytogenetic location: 12p12.3.
Variant type: single nucleotide variant.
Coding change: c.1024A>C on transcript NM_004963.4 (MANE Select); coding-DNA position 1024, A replaced by C.
Protein change: p.Asn342His; replaces asparagine 342 with histidine.
Molecular consequence: missense variant.
Genome position (GRCh38, 1-based): chr12:14,674,685, T>G on the plus strand (A>C on the coding strand, the complement: GUCY2C is on the minus strand). VCF-style: chr12-14674685-T-G. GRCh37 (hg19) VCF-style: chr12-14827619-T-G.
Other names: c.1024A>C (NM_004963.3); short protein forms N342H.
Identifiers: ClinVar variation 1377057 (VCV001377057.7), dbSNP rs142547014, ClinGen allele CA6463587.